The following is an entry in ClinVar:

ClinVar aggregate classification (germline): Uncertain significance (1 of 4 stars; one submission).

Conditions:
SPTBN1-related disorder. Also called: SPTBN1-related condition.

gnomAD v4.1: 3 of 1,614,178 alleles (0.00019%); highest among the groups gnomAD compares: South Asian, 0.0011%; no homozygotes.

Submission:

PreventionGenetics, part of Exact Sciences
Classification: Uncertain significance for SPTBN1-related condition. Last evaluated: 2025-03-19. Review status: criteria provided, single submitter. Criteria: ACMG Guidelines, 2015. Collection method: clinical testing. Allele origin: germline.
Comment: The SPTBN1 c.5365G>A variant is predicted to result in the amino acid substitution p.Asp1789Asn. To our knowledge, this variant has not been reported in the literature or in a large population database (gnomAD), indicating this variant is rare. At this time, the clinical significance of this variant is uncertain due to the absence of conclusive functional and genetic evidence.

NM_003128.3(SPTBN1):c.5365G>A (p.Asp1789Asn)

Gene: SPTBN1 (spectrin beta, non-erythrocytic 1; plus strand). Cytogenetic location: 2p16.2.
Variant type: single nucleotide variant.
Coding change: c.5365G>A on transcript NM_003128.3 (MANE Select); coding-DNA position 5365, G replaced by A.
Protein change: p.Asp1789Asn; replaces aspartic acid 1789 with asparagine.
Molecular consequence: missense variant.
Genome position (GRCh38, 1-based): chr2:54,649,777, G>A. VCF-style: chr2-54649777-G-A. GRCh37 (hg19) VCF-style: chr2-54876914-G-A.
Other names: c.5326G>A, p.Asp1776Asn (NM_178313.3); short protein forms D1776N, D1789N.
Identifiers: ClinVar variation 5001207 (VCV005001207.1).
Genomic context (GRCh38, chr2:54,649,777, plus strand): 5'-GGACATTCAGATGCCGCCACCATCGCTGAATGGAAGGATGGCCTCAATGAAGCCTGGGCC[G>A]ACCTCCTGGAGCTCATTGACACAAGAACACAGATTCTTGCCGCTTCCTATGAACTGCACA-3'
Protein context (NP_003119.2, residues 1779-1799): WKDGLNEAWA[Asp1789Asn]LLELIDTRTQ